The following is an entry in ClinVar:

NM_001363540.2(DOCK4):c.3480A>T (p.Leu1160Phe)

Gene: DOCK4 (dedicator of cytokinesis 4; minus strand). Cytogenetic location: 7q31.1.
Variant type: single nucleotide variant.
Coding change: c.3480A>T on transcript NM_001363540.2 (MANE Select); coding-DNA position 3480, A replaced by T.
Protein change: p.Leu1160Phe; replaces leucine 1160 with phenylalanine.
Molecular consequence: missense variant.
Genome position (GRCh38, 1-based): chr7:111,783,901, T>A on the plus strand (A>T on the coding strand, the complement: DOCK4 is on the minus strand). VCF-style: chr7-111783901-T-A. GRCh37 (hg19) VCF-style: chr7-111423957-T-A.
Other names: c.3453A>T, p.Leu1151Phe (NM_014705.4); short protein forms L1151F, L1160F.
Identifiers: ClinVar variation 4534547 (VCV004534547.6).
Genomic context (GRCh38, chr7:111,783,901, plus strand): 5'-ATGCGACTTGGCTTACCTGTAATCTAACAACCTCTCCATTAGACGAGTTACAGTAGCAAT[T>A]AATGAAACGCCACTTTCCCGCCATGTTTCCCGCTCAATTTTCTTTAGTAGACTGGAAAAG-3'
Protein context (NP_001350469.1, residues 1150-1170): RETWRESGVS[Leu1160Phe]IATVTRLMER

ClinVar aggregate classification (germline): Likely benign (1 of 4 stars; one submission).

gnomAD v4.1: 5 of 1,606,240 alleles (0.00031%); highest among the groups gnomAD compares: Non-Finnish European, 0.00026%; no homozygotes.

Submission:

CeGaT Center for Human Genetics Tuebingen
Classification: Likely benign. Last evaluated: 2025-11-01. Review status: criteria provided, single submitter. Criteria: CeGaT Center For Human Genetics Tuebingen Variant Classification Criteria Version 2. Collection method: clinical testing. Allele origin: germline. Affected: yes. Observed: 1 variant allele.
Comment: DOCK4: BS1